The following is an entry in ClinVar:

ClinVar aggregate classification (germline): Pathogenic (1 of 4 stars; one submission).

Conditions:
DNA ligase IV deficiency. Identifiers: Orphanet 99812, MedGen C1847827, MONDO:0011686, OMIM 606593.

Submission:

Labcorp Genetics (formerly Invitae), Labcorp
Classification: Pathogenic for DNA ligase IV deficiency. Last evaluated: 2022-08-23. Review status: criteria provided, single submitter. Criteria: Invitae Variant Classification Sherloc (09022015). Collection method: clinical testing. Allele origin: germline.
Comment: For these reasons, this variant has been classified as Pathogenic. This sequence change creates a premature translational stop signal (p.Pro492Leufs*21) in the LIG4 gene. While this is not anticipated to result in nonsense mediated decay, it is expected to disrupt the last 420 amino acid(s) of the LIG4 protein. This variant is not present in population databases (gnomAD no frequency). This variant has not been reported in the literature in individuals affected with LIG4-related conditions. ClinVar contains an entry for this variant (Variation ID: 1450499). This variant disrupts a region of the LIG4 protein in which other variant(s) (p.Arg814) have been determined to be pathogenic (PMID: 7063650, 16088910, 24123394, 24892279, 25239263, 27612988). This suggests that this is a clinically significant region of the protein, and that variants that disrupt it are likely to be disease-causing.

Literature cited by the submitters: PubMed 7063650; PubMed 16088910; PubMed 24123394; PubMed 24892279; PubMed 25239263; PubMed 27612988.

NM_206937.2(LIG4):c.1475del (p.Pro492fs)

Gene: LIG4 (DNA ligase 4; minus strand). Cytogenetic location: 13q33.3.
Variant type: Deletion.
Coding change: c.1475del on transcript NM_206937.2 (MANE Select); coding-DNA position 1475, one base deleted (C; older notation c.1475delC).
Protein change: p.Pro492fs; shifts the reading frame from proline 492.
Molecular consequence: frameshift variant.
Genome position (GRCh38, 1-based): chr13:108,209,794, G deleted on the plus strand (C on the coding strand, the reverse complement: LIG4 is on the minus strand); the first of 5 consecutive G bases (chr13:108,209,794-108,209,798); deleting any one gives the same sequence. VCF-style (leftmost placement, unchanged base first): chr13-108209793-AG-A. GRCh37 (hg19) VCF-style: chr13-108862141-AG-A.
Other names: c.1475del, p.Pro492fs (NM_001098268.2, NM_001352598.2, NM_001352599.2 and 6 more transcripts); c.1274del, p.Pro425fs (NM_001330595.2); c.1511del, p.Pro504fs (NM_001352604.2); short protein forms P492fs, P425fs, P504fs.
Identifiers: ClinVar variation 1450499 (VCV001450499.8), dbSNP rs767195999, ClinGen allele CA256181402.
Genomic context (GRCh38, chr13:108,209,793, plus strand): 5'-CATGGTGCAGCCAGACCCAACACGAGAGAGAGTATGAAACACAGATGGCTTCTCACCAGG[AG>A]GGGGCTTCTCTGCTACTGCACACAGAAAATGAGACATCATTCCACCCCGTGATCCTTTAC-3'